The following is an entry in ClinVar:

ClinVar aggregate classification (germline): Uncertain significance (1 of 4 stars; one submission).

Allele frequency attached by ClinVar (database versions not stated): gnomAD exomes below 0.00001; TOPMed below 0.00001.
gnomAD v4.1: 4 of 1,612,910 alleles (0.00025%); highest among the groups gnomAD compares: Non-Finnish European, 0.00034%; no homozygotes.

Submission:

Labcorp Genetics (formerly Invitae), Labcorp
Classification: Uncertain significance. Last evaluated: 2024-04-22. Review status: criteria provided, single submitter. Criteria: Invitae Variant Classification Sherloc (09022015). Collection method: clinical testing. Allele origin: germline.
Comment: This sequence change replaces arginine, which is basic and polar, with tryptophan, which is neutral and slightly polar, at codon 1052 of the SIN3A protein (p.Arg1052Trp). This variant is not present in population databases (gnomAD no frequency). This variant has not been reported in the literature in individuals affected with SIN3A-related conditions. ClinVar contains an entry for this variant (Variation ID: 2109175). Advanced modeling of protein sequence and biophysical properties (such as structural, functional, and spatial information, amino acid conservation, physicochemical variation, residue mobility, and thermodynamic stability) performed at Invitae indicates that this missense variant is not expected to disrupt SIN3A protein function with a negative predictive value of 80%. In summary, the available evidence is currently insufficient to determine the role of this variant in disease. Therefore, it has been classified as a Variant of Uncertain Significance.

NM_001145358.2(SIN3A):c.3154C>T (p.Arg1052Trp)

Gene: SIN3A (SIN3 transcription regulator family member A; minus strand). Cytogenetic location: 15q24.2.
Variant type: single nucleotide variant.
Coding change: c.3154C>T on transcript NM_001145358.2 (MANE Select); coding-DNA position 3154, C replaced by T.
Protein change: p.Arg1052Trp; replaces arginine 1052 with tryptophan.
Molecular consequence: missense variant.
Genome position (GRCh38, 1-based): chr15:75,384,305, G>A on the plus strand (C>T on the coding strand, the complement: SIN3A is on the minus strand). VCF-style: chr15-75384305-G-A. GRCh37 (hg19) VCF-style: chr15-75676646-G-A.
Other names: c.3154C>T, p.Arg1052Trp (NM_001145357.2, NM_015477.3); short protein forms R1052W.
Identifiers: ClinVar variation 2109175 (VCV002109175.4), dbSNP rs111803180, ClinGen allele CA272901830.